The following is an entry in ClinVar:

NM_001967.4(EIF4A2):c.900_901insG (p.Ser301fs)

Gene: EIF4A2 (eukaryotic translation initiation factor 4A2; plus strand). Cytogenetic location: 3q27.3.
Variant type: Insertion.
Coding change: c.900_901insG on transcript NM_001967.4 (MANE Select); coding-DNA positions 900 to 901, G inserted.
Protein change: p.Ser301fs; shifts the reading frame from serine 301.
Molecular consequence: frameshift variant.
Genome position: GRCh38 VCF-style: chr3-186787255-T-TG. GRCh37 (hg19) VCF-style: chr3-186505044-T-TG.
Other names: short protein forms S301fs.
Identifiers: ClinVar variation 3898993 (VCV003898993.1).

ClinVar aggregate classification (germline): Uncertain significance (1 of 4 stars; one submission).

Submission:

GeneDx
Classification: Uncertain significance. Last evaluated: 2024-11-06. Review status: criteria provided, single submitter. Criteria: GeneDx Variant Classification Process June 2021. Collection method: clinical testing. Allele origin: germline. Affected: yes.
Comment: Not observed at significant frequency in large population cohorts (gnomAD); Frameshift variant predicted to result in protein truncation or nonsense mediated decay in a gene or region of a gene for which loss of function is not a well-established mechanism of disease; Has not been previously published as pathogenic or benign to our knowledge